The following is an entry in ClinVar:

ClinVar aggregate classification (germline): Uncertain significance (1 of 4 stars; one submission).

Conditions:
Inclusion body myopathy with Paget disease of bone and frontotemporal dementia. Also called: Inclusion body myopathy with early-onset Paget disease and frontotemporal dementia. Identifiers: Orphanet 52430, MedGen C1833662, MONDO:0000507.
Frontotemporal dementia and/or amyotrophic lateral sclerosis 6 (FTDALS6). Also called: VCP-Related Amyotrophic Lateral Sclerosis; VCP-Related Amyotrophic Lateral Sclerosis/Frontotemporal Dementia. Identifiers: Orphanet 275872, Orphanet 803, MedGen C5436279, MONDO:0013501, OMIM 613954.

Allele frequency attached by ClinVar (database versions not stated): TOPMed below 0.00001; ExAC 0.00001; gnomAD 0.00001.
gnomAD v4.1: 7 of 1,614,122 alleles (0.00043%); highest among the groups gnomAD compares: Admixed American, 0.0083%; no homozygotes.

Submission:

Labcorp Genetics (formerly Invitae), Labcorp
Classification: Uncertain significance for Inclusion body myopathy with Paget disease of bone and frontotemporal dementia; Frontotemporal dementia and/or amyotrophic lateral sclerosis 6. Last evaluated: 2022-11-10. Review status: criteria provided, single submitter. Criteria: Invitae Variant Classification Sherloc (09022015). Collection method: clinical testing. Allele origin: germline.
Comment: This sequence change replaces cysteine, which is neutral and slightly polar, with tyrosine, which is neutral and polar, at codon 77 of the VCP protein (p.Cys77Tyr). This variant is present in population databases (rs754802166, gnomAD 0.01%). This variant has not been reported in the literature in individuals affected with VCP-related conditions. Advanced modeling of protein sequence and biophysical properties (such as structural, functional, and spatial information, amino acid conservation, physicochemical variation, residue mobility, and thermodynamic stability) performed at Invitae indicates that this missense variant is not expected to disrupt VCP protein function. In summary, the available evidence is currently insufficient to determine the role of this variant in disease. Therefore, it has been classified as a Variant of Uncertain Significance.

NM_007126.5(VCP):c.230G>A (p.Cys77Tyr)

Gene: VCP (valosin containing protein; minus strand). Cytogenetic location: 9p13.3.
Variant type: single nucleotide variant.
Coding change: c.230G>A on transcript NM_007126.5 (MANE Select); coding-DNA position 230, G replaced by A.
Protein change: p.Cys77Tyr; replaces cysteine 77 with tyrosine.
Molecular consequence: missense variant.
Genome position (GRCh38, 1-based): chr9:35,067,963, C>T on the plus strand (G>A on the coding strand, the complement: VCP is on the minus strand). VCF-style: chr9-35067963-C-T. GRCh37 (hg19) VCF-style: chr9-35067960-C-T.
Other names: c.95G>A, p.Cys32Tyr (NM_001354927.2, NM_001354928.2); short protein forms C77Y, C32Y.
Identifiers: ClinVar variation 2928063 (VCV002928063.3), dbSNP rs754802166, ClinGen allele CA5039529.